The following is an entry in ClinVar:

ClinVar aggregate classification (germline): Pathogenic/Likely pathogenic. Review status: criteria provided, multiple submitters, no conflicts (2 of 4 stars). 3 submissions from 3 submitters: Pathogenic (1); Likely pathogenic (2). Last evaluated 2024-08-22.

Conditions:
Familial cancer of breast. Also called: BREAST CANCER, FAMILIAL; Hereditary breast cancer; hereditary breast carcinoma. Identifiers: Orphanet 227535, MedGen C0346153, MONDO:0016419, OMIM 114480. Disease mechanism: loss of function.
Ataxia-telangiectasia syndrome (AT). Also called: LOUIS-BAR SYNDROME; Ataxia-telangiectasia; Cerebello-oculocutaneous telangiectasia; Immunodeficiency with ataxia telangiectasia; ATAXIA-TELANGIECTASIA, COMPLEMENTATION GROUP A; ATAXIA-TELANGIECTASIA, FRESNO VARIANT. Identifiers: Orphanet 100, MedGen C0004135, MONDO:0008840, OMIM 208900.

Allele frequency attached by ClinVar (database versions not stated): gnomAD exomes below 0.00001; ExAC 0.00001.

Submissions (3):

Molecular Pathology, Peter Maccallum Cancer Centre
Classification: Pathogenic for Ataxia-telangiectasia syndrome. Last evaluated: 2024-08-22. Review status: criteria provided, single submitter. Criteria: ACMG Guidelines, 2015. Collection method: clinical testing. Allele origin: germline. Inheritance: Autosomal recessive inheritance.

Myriad Genetics, Inc.
Classification: Likely pathogenic for Familial cancer of breast. Last evaluated: 2024-01-24. Review status: criteria provided, single submitter. Criteria: Myriad Autosomal Dominant, Autosomal Recessive and X-Linked Classification Criteria (2023). Collection method: clinical testing. Allele origin: unknown.
Comment: This variant is considered likely pathogenic. This variant occurs within a consensus splice junction and is predicted to result in abnormal mRNA splicing of either an out-of-frame exon or an in-frame exon necessary for protein stability and/or normal function.

Labcorp Genetics (formerly Invitae), Labcorp
Classification: Likely pathogenic for Ataxia-telangiectasia syndrome. Last evaluated: 2022-09-12. Review status: criteria provided, single submitter. Criteria: Invitae Variant Classification Sherloc (09022015). Collection method: clinical testing. Allele origin: germline.
Comment: This variant has been observed in individual(s) with ataxia-telangiectasia (PMID: 9872980). This variant is also known as 4611delG+9. ClinVar contains an entry for this variant (Variation ID: 1494164). Studies have shown that this variant results in skipping of exon 30 and introduces a premature termination codon (PMID: 8845835). The resulting mRNA is expected to undergo nonsense-mediated decay. In summary, the currently available evidence indicates that the variant is pathogenic, but additional data are needed to prove that conclusively. Therefore, this variant has been classified as Likely Pathogenic. This variant is present in population databases (rs780969040, gnomAD 0.0009%). This variant results in the deletion of part of exon 30 (c.4611_4611+9del) of the ATM gene. RNA analysis indicates that this variant induces altered splicing and may result in an absent or disrupted protein product.

Literature cited by the submitters: PubMed 9872980 (cited by Labcorp Genetics (formerly Invitae), Labcorp); PubMed 8845835 (cited by Labcorp Genetics (formerly Invitae), Labcorp).

NM_000051.4(ATM):c.4611_4611+9del

Gene: ATM (ATM serine/threonine kinase; plus strand). Cytogenetic location: 11q22.3.
Variant type: Deletion.
Coding change: c.4611_4611+9del on transcript NM_000051.4 (MANE Select); coding-DNA position 4611 through 9 bases into the intron after coding-DNA position 4611, 10 bases deleted (GGTAATTTTC; older notation c.4611_4611+9delGGTAATTTTC).
Molecular consequence: splice donor variant.
Genome position (GRCh38, 1-based): chr11:108,292,793-108,292,802, GGTAATTTTC deleted. VCF-style (leftmost placement, unchanged base first): chr11-108292792-AGGTAATTTTC-A. GRCh37 (hg19) VCF-style: chr11-108163519-AGGTAATTTTC-A.
Other names: c.4611_4611+9del (NM_001351834.2); c.4611_4611+9delGGTAATTTTC (NM_000051.3).
Identifiers: ClinVar variation 1494164 (VCV001494164.8), dbSNP rs780969040, ClinGen allele CA6265502.